The following continues an entry in ClinVar:

NM_000551.4(VHL):c.376G>A (p.Asp126Asn)

ClinVar aggregate classification (germline): Uncertain significance. Uncertain significance (1).

Submissions 8 to 14 of 14:

All of Us Research Program, National Institutes of Health
Classification: Uncertain significance for Von Hippel-Lindau syndrome. Last evaluated: 2024-03-24. Review status: criteria provided, single submitter. Criteria: ACMG Guidelines, 2015. Collection method: clinical testing. Allele origin: germline. Inheritance: Autosomal dominant inheritance. Observed: 5 variant alleles, 5 heterozygotes. Not counted in ClinVar's aggregate classification.
Comment: This missense variant replaces aspartic acid with asparagine at codon 126 of the VHL protein. Computational prediction suggests that this variant may have deleterious impact on protein structure and function (internally defined REVEL score threshold >= 0.7, PMID: 27666373). Functional studies have reported that this variant results in unstable VHL protein and partial degradation of HIF1alpha and HIF2alpha protein compared to wild-type VHL when expressed in ex vivo cells (PMID: 21454469, 30338240). This variant has been reported in a heterozygous carrier affected with sporadic right jugulotympanic paraganglioma without any other features suggestive of von Hippel Lindau syndrome (PMID: 18551016) and in a compound heterozygous carrier with VHL p.Ser183Leu who was affected with severe erythrocytosis and pulmonary arterial hypertension (PMID: 21454469). This variant has been identified in 5/251494 chromosomes in the general population by the Genome Aggregation Database (gnomAD). The available evidence is insufficient to determine the role of this variant in disease conclusively. Therefore, this variant is classified as a Variant of Uncertain Significance.

This study involves interpretation of variants in research participants for the purpose of population health screening. Participant phenotype was not available at the time of variant classification. Additional details can be found in publication PMID: 35346344, PMCID: PMC8962531

GeneDx
Classification: Likely pathogenic. Last evaluated: 2024-03-11. Review status: criteria provided, single submitter. Criteria: GeneDx Variant Classification Process June 2021. Collection method: clinical testing. Allele origin: germline. Affected: yes. Not counted in ClinVar's aggregate classification.
Comment: While this variant is considered likely pathogenic for autosomal recessive familial erythrocytosis, it is considered a variant of uncertain significance regarding increased risk for von Hippel Lindau disease; Not observed at significant frequency in large population cohorts (gnomAD); In silico analysis supports that this missense variant has a deleterious effect on protein structure/function; Observed in individuals with papillary renal cell carcinoma and isolated paraganglioma in the published literature (PMID: 28043156, 35198402, 35441217); Observed in the homozygous and compound heterozygous state in association with congenital polycythemia, severe erythrocytosis and pulmonary arterial hypertension in individuals referred for genetic testing at GeneDx and in published literature (PMID: 21454469, 24729484, 35734542); Published functional studies demonstrate: intermediate effect on VHL functions (PMID: 21454469, 30338240); This variant is associated with the following publications: (PMID: 21454469, 24969085, 15177666, 24729484, 28043156, 30338240, 35198402, 35767051, 23102223, 35734542, 32238909, 18551016, 35205407, 35441217)

Cavalleri Lab, Royal College of Surgeons in Ireland
Classification: Uncertain significance for Von Hippel-Lindau syndrome. Last evaluated: 2019-12-11. Review status: criteria provided, single submitter. Criteria: ACMG Guidelines, 2015. Collection method: research. Allele origin: maternal. Inheritance: Autosomal dominant inheritance. Affected: yes. Not counted in ClinVar's aggregate classification.
Comment: ACMG evidence PP3, PP5

Genomic Diagnostic Laboratory, Division of Genomic Diagnostics, Children's Hospital of Philadelphia
Classification: Uncertain significance for von Hippel-Lindau syndrome. Last evaluated: 2018-08-01. Review status: criteria provided, single submitter. Criteria: DGD Variant Analysis Guidelines. Collection method: clinical testing. Allele origin: germline. Affected: yes. Observed: 1 variant allele. Not counted in ClinVar's aggregate classification.

PreventionGenetics, part of Exact Sciences
Classification: Uncertain significance. Last evaluated: 2015-11-03. Review status: criteria provided, single submitter. Criteria: ACMG Guidelines, 2015. Collection method: clinical testing. Allele origin: germline. Not counted in ClinVar's aggregate classification.

OMIM
Classification: Pathogenic for ERYTHROCYTOSIS, FAMILIAL, 2. Last evaluated: 2020-03-05. Review status: no assertion criteria provided. Collection method: literature only. Allele origin: germline. Not counted in ClinVar's aggregate classification.

Counsyl
Classification: Uncertain significance for Von Hippel-Lindau syndrome. Last evaluated: 2018-05-29. Review status: no assertion criteria provided. Collection method: clinical testing. Allele origin: unknown. Not counted in ClinVar's aggregate classification.

Literature cited by the submitters: PubMed 21454469 (cited by 5 submitters); PubMed 30338240 (cited by 3 submitters); PubMed 35734542 (cited by 3 submitters); PubMed 23102223 (cited by Ambry Genetics); PubMed 24729484 (cited by 3 submitters); DOI 10.1038/gim.2015.30 (cited by Department of Clinical Genetics, Medical University of Lodz); PubMed 18551016 (cited by All of Us Research Program, National Institutes of Health and Counsyl); PubMed 32238909 (cited by Cavalleri Lab, Royal College of Surgeons in Ireland).